The following is an entry in ClinVar:

ClinVar aggregate classification (germline): Uncertain significance. Review status: criteria provided, multiple submitters, no conflicts (2 of 4 stars). 2 submissions from 2 submitters: Uncertain significance (2). Last evaluated 2021-09-16.

Conditions:
Hypertrophic cardiomyopathy. Also called: HYPERTROPHIC MYOCARDIOPATHY. Identifiers: Orphanet 217569, MedGen C0007194, MeSH D002312, MONDO:0005045, HP:0001639.

Submissions (2):

Labcorp Genetics (formerly Invitae), Labcorp
Classification: Uncertain significance for Hypertrophic cardiomyopathy. Last evaluated: 2021-09-16. Review status: criteria provided, single submitter. Criteria: Invitae Variant Classification Sherloc (09022015). Collection method: clinical testing. Allele origin: germline.
Comment: Algorithms developed to predict the effect of missense changes on protein structure and function are either unavailable or do not agree on the potential impact of this missense change (SIFT: "Deleterious"; PolyPhen-2: "Benign"; Align-GVGD: "Class C15"). ClinVar contains an entry for this variant (Variation ID: 454410). This missense change has been observed in individual(s) with hypertrophic cardiomyopathy (Invitae). This variant is not present in population databases (ExAC no frequency). This sequence change replaces histidine with tyrosine at codon 172 of the TNNI3 protein (p.His172Tyr). The histidine residue is highly conserved and there is a moderate physicochemical difference between histidine and tyrosine. In summary, the available evidence is currently insufficient to determine the role of this variant in disease. Therefore, it has been classified as a Variant of Uncertain Significance.

CeGaT Center for Human Genetics Tuebingen
Classification: Uncertain significance. Last evaluated: 2020-06-01. Review status: criteria provided, single submitter. Criteria: CeGaT Center For Human Genetics Tuebingen Variant Classification Criteria Version 2. Collection method: clinical testing. Allele origin: germline. Affected: yes. Observed: 1 variant allele.

NM_000363.5(TNNI3):c.514C>T (p.His172Tyr)

Gene: TNNI3 (troponin I3, cardiac type; minus strand). Cytogenetic location: 19q13.42.
Variant type: single nucleotide variant.
Coding change: c.514C>T on transcript NM_000363.5 (MANE Select); coding-DNA position 514, C replaced by T.
Protein change: p.His172Tyr; replaces histidine 172 with tyrosine.
Molecular consequence: missense variant.
Genome position (GRCh38, 1-based): chr19:55,154,065, G>A on the plus strand (C>T on the coding strand, the complement: TNNI3 is on the minus strand). VCF-style: chr19-55154065-G-A. GRCh37 (hg19) VCF-style: chr19-55665433-G-A.
Other names: c.514C>T (LRG_432t1); short protein forms H172Y.
Identifiers: ClinVar variation 454410 (VCV000454410.46), dbSNP rs730881075, ClinGen allele CA407440296.